The following is an entry in ClinVar:

ClinVar aggregate classification (germline): Uncertain significance (1 of 4 stars; one submission).

Conditions:
Inborn genetic diseases. Identifiers: MedGen C0950123, MeSH D030342.

Allele frequency attached by ClinVar (database versions not stated): gnomAD exomes 0.00002.
gnomAD v4.1: 22 of 1,614,200 alleles (0.0014%); highest among the groups gnomAD compares: Non-Finnish European, 0.0019%; no homozygotes.

Submission:

Ambry Genetics
Classification: Uncertain significance for Inborn genetic diseases. Last evaluated: 2026-08-12. Review status: criteria provided, single submitter. Criteria: Ambry Variant Classification Scheme 2023. Collection method: clinical testing. Allele origin: germline.
Comment: The c.2657T>G (p.L886R) alteration is located in exon 8 (coding exon 7) of the NLRC4 gene. This alteration results from a T to G substitution at nucleotide position 2657, causing the leucine (L) at amino acid position 886 to be replaced by an arginine (R). Based on data from gnomAD, the G allele has an overall frequency of <0.001% (1/251230) total alleles studied. The highest observed frequency was 0.001% (1/113576) of European (non-Finnish) alleles. Based on insufficient or conflicting evidence, the clinical significance of this alteration remains unclear.

NM_001199138.2(NLRC4):c.2657T>G (p.Leu886Arg)

Gene: NLRC4 (NLR family CARD domain containing 4; minus strand). Cytogenetic location: 2p22.3.
Variant type: single nucleotide variant.
Coding change: c.2657T>G on transcript NM_001199138.2 (MANE Select); coding-DNA position 2657, T replaced by G.
Protein change: p.Leu886Arg; replaces leucine 886 with arginine.
Molecular consequence: missense variant.
Genome position (GRCh38, 1-based): chr2:32,235,526, A>C on the plus strand (T>G on the coding strand, the complement: NLRC4 is on the minus strand). VCF-style: chr2-32235526-A-C. GRCh37 (hg19) VCF-style: chr2-32460595-A-C.
Other names: c.2657T>G, p.Leu886Arg (NM_001199139.2, NM_021209.5); c.662T>G, p.Leu221Arg (NM_001302504.2); short protein forms L221R, L886R.
Identifiers: ClinVar variation 3200488 (VCV003200488.2), dbSNP rs1312985006, ClinGen allele CA346520823.